The following is an entry in ClinVar:

ClinVar aggregate classification (germline): Benign/Likely benign. Review status: criteria provided, multiple submitters, no conflicts (2 of 4 stars). 3 submissions from 3 submitters: Benign (1); Likely benign (2). Last evaluated 2024-10-23.

Conditions:
Birt-Hogg-Dube syndrome. Also called: Birt Hogg Dubé syndrome. Identifiers: Orphanet 122, MedGen C0346010, MONDO:0800444.
Birt-Hogg-Dube syndrome 1 (BHD1). Also called: FIBROFOLLICULOMAS WITH TRICHODISCOMAS AND ACROCHORDONS. Identifiers: Orphanet 122, MedGen CN375946, MONDO:0800445, OMIM 135150.
Hereditary cancer-predisposing syndrome. Also called: Neoplastic Syndromes, Hereditary; Tumor predisposition; Hereditary neoplastic syndrome; Hereditary Cancer Syndrome. Identifiers: Orphanet 140162, MedGen C0027672, MeSH D009386, MONDO:0015356.

Allele frequency attached by ClinVar (database versions not stated): gnomAD exomes below 0.00001; TOPMed below 0.00001.

Submissions (3):

Myriad Genetics, Inc.
Classification: Benign for Birt-Hogg-Dube syndrome 1. Last evaluated: 2024-10-23. Review status: criteria provided, single submitter. Criteria: Myriad Autosomal Dominant, Autosomal Recessive and X-Linked Classification Criteria (2023). Collection method: clinical testing. Allele origin: unknown.
Comment: This variant is considered benign. This variant is a silent/synonymous amino acid change and it is not expected to impact splicing.

Ambry Genetics
Classification: Likely benign for Hereditary cancer-predisposing syndrome. Last evaluated: 2022-10-17. Review status: criteria provided, single submitter. Criteria: Ambry Variant Classification Scheme 2023. Collection method: clinical testing. Allele origin: germline.

Labcorp Genetics (formerly Invitae), Labcorp
Classification: Likely benign for Birt-Hogg-Dube syndrome. Last evaluated: 2022-01-17. Review status: criteria provided, single submitter. Criteria: Invitae Variant Classification Sherloc (09022015). Collection method: clinical testing. Allele origin: germline.

NM_144997.7(FLCN):c.774T>C (p.Phe258=)

Gene: FLCN (folliculin; minus strand). Cytogenetic location: 17p11.2.
Variant type: single nucleotide variant.
Coding change: c.774T>C on transcript NM_144997.7 (MANE Select); coding-DNA position 774, T replaced by C.
Protein change: p.Phe258=; no amino-acid change (phenylalanine 258 retained).
Molecular consequence: synonymous variant.
Genome position (GRCh38, 1-based): chr17:17,222,506, A>G on the plus strand (T>C on the coding strand, the complement: FLCN is on the minus strand). VCF-style: chr17-17222506-A-G. GRCh37 (hg19) VCF-style: chr17-17125820-A-G.
Other names: c.774T>C, p.Phe258= (NM_144606.7, NM_001353230.2, NM_001353231.2); c.828T>C, p.Phe276= (NM_001353229.2).
Identifiers: ClinVar variation 1760460 (VCV001760460.8), dbSNP rs1475395794, ClinGen allele CA498164127.